The following is an entry in ClinVar:

NM_001160036.2(RHOBTB2):c.-1G>A

Genes: RHOBTB2-AS1 (RHOBTB2 antisense RNA 1; minus strand), RHOBTB2 (Rho related BTB domain containing 2; plus strand). Cytogenetic location: 8p21.3.
Variant type: single nucleotide variant.
Coding change: c.-1G>A on transcript NM_001160036.2; 1 bases upstream of the start codon, G replaced by A.
Molecular consequence: 5 prime UTR variant.
Genome position (GRCh38, 1-based): chr8:22,994,583, G>A. VCF-style: chr8-22994583-G-A. GRCh37 (hg19) VCF-style: chr8-22852096-G-A.
Identifiers: ClinVar variation 1265036 (VCV001265036.7), dbSNP rs78886842, ClinGen allele CA4672321.
Genomic context (GRCh38, chr8:22,994,583, plus strand): 5'-CCTGCCCCGCCCCATCCACTCCTGTTCCTCACAACCAGGAGCCTGGAGGGAACACAGAGC[G>A]ATGCAAGCCTGGAGAAAAGGCCCCGATGGCCCCCAGAAGACCTCTTCAGACAGCATGTGA-3'

ClinVar aggregate classification (germline): Benign. Review status: criteria provided, multiple submitters, no conflicts (2 of 4 stars). 3 submissions from 3 submitters: Benign (2). 1 of the submissions does not count toward it. Last evaluated 2020-08-18.

Conditions:
RHOBTB2-related disorder. Also called: RHOBTB2-related condition.

Allele frequency attached by ClinVar (database versions not stated): ExAC 0.05266; gnomAD exomes 0.04957 and 0.06096; 1000 Genomes Project 30x 0.07308; TOPMed 0.08096; ESP Exome Variant Server 0.06505; 1000 Genomes Project 0.07228.
gnomAD v4.1: 81,141 of 1,550,398 alleles (5.2%); highest among the groups gnomAD compares: African/African-American, 13%; 2,545 homozygotes.

Submissions (3):

GeneDx
Classification: Benign. Last evaluated: 2020-08-18. Review status: criteria provided, single submitter. Criteria: GeneDx Variant Classification Process June 2021. Collection method: clinical testing. Allele origin: germline. Affected: yes.

Breakthrough Genomics
Classification: Benign. Review status: criteria provided, single submitter. Criteria: ACMG Guidelines, 2015. Collection method: not provided. Allele origin: germline. Inheritance: Autosomal dominant inheritance. Affected: yes.

PreventionGenetics, part of Exact Sciences
Classification: Benign for RHOBTB2-related condition. Last evaluated: 2019-07-03. Review status: no assertion criteria provided. Collection method: clinical testing. Allele origin: germline. Not counted in ClinVar's aggregate classification.
Comment: This variant is classified as benign based on ACMG/AMP sequence variant interpretation guidelines (Richards et al. 2015 PMID: 25741868, with internal and published modifications).